The following is an entry in ClinVar:

NM_000240.4(MAOA):c.437C>T (p.Ala146Val)

Gene: MAOA (monoamine oxidase A; plus strand). Cytogenetic location: Xp11.3.
Variant type: single nucleotide variant.
Coding change: c.437C>T on transcript NM_000240.4 (MANE Select); coding-DNA position 437, C replaced by T.
Protein change: p.Ala146Val; replaces alanine 146 with valine.
Molecular consequence: missense variant.
Genome position (GRCh38, 1-based): chrX:43,712,730, C>T. VCF-style: chrX-43712730-C-T. GRCh37 (hg19) VCF-style: chrX-43571977-C-T.
Other names: c.38C>T, p.Ala13Val (NM_001270458.2); short protein forms A13V, A146V.
Identifiers: ClinVar variation 3542529 (VCV003542529.2).

ClinVar aggregate classification (germline): Likely benign. Review status: criteria provided, multiple submitters, no conflicts (2 of 4 stars). 2 submissions from 2 submitters: Likely benign (2). Last evaluated 2026-09-01.

Conditions:
Inborn genetic diseases. Identifiers: MedGen C0950123, MeSH D030342.

gnomAD v4.1: 19 of 1,206,641 alleles (0.0016%); highest among the groups gnomAD compares: Admixed American, 0.026%; no homozygotes.

Submissions (2):

CeGaT Center for Human Genetics Tuebingen
Classification: Likely benign. Last evaluated: 2026-09-01. Review status: criteria provided, single submitter. Criteria: CeGaT Center For Human Genetics Tuebingen Variant Classification Criteria Version 2. Collection method: clinical testing. Allele origin: germline. Affected: yes. Observed: 1 variant allele.
Comment: MAOA: BS2

Ambry Genetics
Classification: Likely benign for Inborn genetic diseases. Last evaluated: 2024-11-12. Review status: criteria provided, single submitter. Criteria: Ambry Variant Classification Scheme 2023. Collection method: clinical testing. Allele origin: germline.